The following is an entry in ClinVar:

NM_015466.4(PTPN23):c.2425_2432del (p.Gly809fs)

Gene: PTPN23 (protein tyrosine phosphatase non-receptor type 23; plus strand). Cytogenetic location: 3p21.31.
Variant type: Microsatellite.
Coding change: c.2425_2432del on transcript NM_015466.4 (MANE Select); coding-DNA positions 2425 to 2432, 8 bases deleted (GGGCCCCA; older notation c.2425_2432delGGGCCCCA).
Protein change: p.Gly809fs; shifts the reading frame from glycine 809.
Molecular consequence: frameshift variant.
Genome position (GRCh38, 1-based): chr3:47,410,223-47,410,230, GGGCCCCA deleted; deleting any 8 consecutive bases within chr3:47,410,211-47,410,230 gives the same sequence; the c. name uses the placement nearest the transcript's 3' end. VCF-style (leftmost placement, unchanged base first): chr3-47410210-GCCCAGGGC-G. GRCh37 (hg19) VCF-style: chr3-47451700-GCCCAGGGC-G.
Other names: c.2047_2054del, p.Gly683fs (NM_001304482.2); short protein forms G683fs, G809fs.
Identifiers: ClinVar variation 1512677 (VCV001512677.6), dbSNP rs752707578, ClinGen allele CA543043181.
Genomic context (GRCh38, chr3:47,410,210, plus strand): 5'-CCACTATCTCTCAGGCCCCTTGCCCCCTGGTACCTACTCGGGCCCCACCCAGCTGATACA[GCCCAGGGC>G]CCCAGGGCCCCATGCAATGCCCGTAGCACCTGGGCCTGCCCTCTACCCAGCCCCTGCCTA-3'

ClinVar aggregate classification (germline): Pathogenic (1 of 4 stars; one submission).

Submission:

Labcorp Genetics (formerly Invitae), Labcorp
Classification: Pathogenic. Last evaluated: 2024-01-24. Review status: criteria provided, single submitter. Criteria: Invitae Variant Classification Sherloc (09022015). Collection method: clinical testing. Allele origin: germline.
Comment: This sequence change creates a premature translational stop signal (p.Gly809Cysfs*75) in the PTPN23 gene. It is expected to result in an absent or disrupted protein product. Loss-of-function variants in PTPN23 are known to be pathogenic (PMID: 29090338, 29899372). This variant is present in population databases (no rsID available, gnomAD 0.0009%). This variant has not been reported in the literature in individuals affected with PTPN23-related conditions. For these reasons, this variant has been classified as Pathogenic.

Literature cited by the submitters: PubMed 29090338; PubMed 29899372.